The following is an entry in ClinVar:

ClinVar aggregate classification (germline): Uncertain significance. Review status: criteria provided, multiple submitters, no conflicts (2 of 4 stars). 2 submissions from 2 submitters: Uncertain significance (2). Last evaluated 2025-10-04.

Conditions:
Inborn genetic diseases. Identifiers: MedGen C0950123, MeSH D030342.

gnomAD v4.1: 6 of 1,614,034 alleles (0.00037%); highest among the groups gnomAD compares: African/African-American, 0.0013%; no homozygotes.

Submissions (2):

Mayo Clinic Laboratories, Mayo Clinic
Classification: Uncertain significance. Last evaluated: 2025-10-04. Review status: criteria provided, single submitter. Criteria: ACMG Guidelines, 2015. Collection method: clinical testing. Allele origin: germline. Observed: 1 variant allele.
Comment: BP4_moderate, PM2_supporting

Ambry Genetics
Classification: Uncertain significance for Inborn genetic diseases. Last evaluated: 2025-05-28. Review status: criteria provided, single submitter. Criteria: Ambry Variant Classification Scheme 2023. Collection method: clinical testing. Allele origin: germline.

NM_000552.5(VWF):c.3623C>T (p.Ser1208Leu)

Gene: VWF (von Willebrand factor; minus strand). Cytogenetic location: 12p13.31.
Variant type: single nucleotide variant.
Coding change: c.3623C>T on transcript NM_000552.5 (MANE Select); coding-DNA position 3623, C replaced by T.
Protein change: p.Ser1208Leu; replaces serine 1208 with leucine.
Molecular consequence: missense variant.
Genome position (GRCh38, 1-based): chr12:6,021,951, G>A on the plus strand (C>T on the coding strand, the complement: VWF is on the minus strand). VCF-style: chr12-6021951-G-A. GRCh37 (hg19) VCF-style: chr12-6131117-G-A.
Other names: p.Ser1208Leu; c.3623C>T (NM_000552.4); short protein forms S1208L.
Identifiers: ClinVar variation 3980522 (VCV003980522.2).